The following is an entry in ClinVar:

ClinVar aggregate classification (germline): Uncertain significance (1 of 4 stars; one submission).

Conditions:
Inborn genetic diseases. Identifiers: MedGen C0950123, MeSH D030342.

Submission:

Ambry Genetics
Classification: Uncertain significance for Inborn genetic diseases. Last evaluated: 2024-06-14. Review status: criteria provided, single submitter. Criteria: Ambry Variant Classification Scheme 2023. Collection method: clinical testing. Allele origin: germline.
Comment: The p.D120E variant (also known as c.360C>G), located in coding exon 1 of the SMAD6 gene, results from a C to G substitution at nucleotide position 360. The aspartic acid at codon 120 is replaced by glutamic acid, an amino acid with highly similar properties. This amino acid position is conserved. In addition, this alteration is predicted to be tolerated by in silico analysis. Based on the available evidence, the clinical significance of this variant remains unclear.

NM_005585.5(SMAD6):c.360C>G (p.Asp120Glu)

Gene: SMAD6 (SMAD family member 6; plus strand). Cytogenetic location: 15q22.31.
Variant type: single nucleotide variant.
Coding change: c.360C>G on transcript NM_005585.5 (MANE Select); coding-DNA position 360, C replaced by G.
Protein change: p.Asp120Glu; replaces aspartic acid 120 with glutamic acid.
Molecular consequence: missense variant. On other transcripts: non-coding transcript variant (1).
Genome position (GRCh38, 1-based): chr15:66,703,618, C>G. VCF-style: chr15-66703618-C-G. GRCh37 (hg19) VCF-style: chr15-66995956-C-G.
Other names: short protein forms D120E.
Identifiers: ClinVar variation 3320648 (VCV003320648.1).